The following is an entry in ClinVar:

NM_001371928.1(AHDC1):c.4789A>G (p.Thr1597Ala)

Gene: AHDC1 (AT-hook DNA binding motif containing 1; minus strand). Cytogenetic location: 1p36.11.
Variant type: single nucleotide variant.
Coding change: c.4789A>G on transcript NM_001371928.1 (MANE Select); coding-DNA position 4789, A replaced by G.
Protein change: p.Thr1597Ala; replaces threonine 1597 with alanine.
Molecular consequence: missense variant.
Genome position (GRCh38, 1-based): chr1:27,547,327, T>C on the plus strand (A>G on the coding strand, the complement: AHDC1 is on the minus strand). VCF-style: chr1-27547327-T-C. GRCh37 (hg19) VCF-style: chr1-27873838-T-C.
Other names: c.4789A>G, p.Thr1597Ala (NM_001029882.3); short protein forms T1597A.
Identifiers: ClinVar variation 3277058 (VCV003277058.3).
Genomic context (GRCh38, chr1:27,547,327, plus strand): 5'-ACAAAACCTCGCGGTCCAGTCGGCACTTCAGTTGGCACTACAGGGATGTGACGGTGAATG[T>C]GTCCTCGGGGTGAGGTTCCGCCATGGGCCCCAGGAAGCCGCTCTTGGGGCCCCCACCCAG-3'
Protein context (NP_001358857.1, residues 1587-1603): GPMAEPHPED[Thr1597Ala]FTVTSL

ClinVar aggregate classification (germline): Uncertain significance. Review status: criteria provided, multiple submitters, no conflicts (2 of 4 stars). 2 submissions from 2 submitters: Uncertain significance (2). Last evaluated 2024-05-24.

Conditions:
Inborn genetic diseases. Identifiers: MedGen C0950123, MeSH D030342.

gnomAD v4.1: 11 of 1,547,374 alleles (0.00071%); highest among the groups gnomAD compares: South Asian, 0.014%; no homozygotes.

Submissions (2):

Labcorp Genetics (formerly Invitae), Labcorp
Classification: Uncertain significance. Last evaluated: 2024-05-24. Review status: criteria provided, single submitter. Criteria: Invitae Variant Classification Sherloc (09022015). Collection method: clinical testing. Allele origin: germline.
Comment: This sequence change replaces threonine, which is neutral and polar, with alanine, which is neutral and non-polar, at codon 1597 of the AHDC1 protein (p.Thr1597Ala). This variant is present in population databases (rs766392554, gnomAD 0.02%). This variant has not been reported in the literature in individuals affected with AHDC1-related conditions. An algorithm developed to predict the effect of missense changes on protein structure and function (PolyPhen-2) suggests that this variant is likely to be tolerated. In summary, the available evidence is currently insufficient to determine the role of this variant in disease. Therefore, it has been classified as a Variant of Uncertain Significance.

Ambry Genetics
Classification: Uncertain significance for Inborn genetic diseases. Last evaluated: 2024-03-30. Review status: criteria provided, single submitter. Criteria: Ambry Variant Classification Scheme 2023. Collection method: clinical testing. Allele origin: germline.